The following is an entry in ClinVar:

NM_001372233.1(KCNN2):c.103T>C (p.Ser35Pro)

Gene: KCNN2 (potassium calcium-activated channel subfamily N member 2; plus strand). Cytogenetic location: 5q22.3.
Variant type: single nucleotide variant.
Coding change: c.103T>C on transcript NM_001372233.1; coding-DNA position 103, T replaced by C.
Protein change: p.Ser35Pro; replaces serine 35 with proline.
Molecular consequence: missense variant.
Genome position (GRCh38, 1-based): chr5:114,362,044, T>C. VCF-style: chr5-114362044-T-C. GRCh37 (hg19) VCF-style: chr5-113697741-T-C.
Other names: short protein forms S35P.
Identifiers: ClinVar variation 4813229 (VCV004813229.1).
Genomic context (GRCh38, chr5:114,362,044, plus strand): 5'-TTGGTGCGCCCAACCAATCGGACTCGCCGCCTGGATTCTACCGGAGCCGGCATGGGCCCT[T>C]CCTCGCACCAGCAGCAGGAGTCCCCGCTCCCGACCATAACGCATTGCGCAGGGTGCACCA-3'

ClinVar aggregate classification (germline): Uncertain significance (1 of 4 stars; one submission).

Submission:

GeneDx
Classification: Uncertain significance. Last evaluated: 2025-09-09. Review status: criteria provided, single submitter. Criteria: GeneDx Variant Classification Process June 2021. Collection method: clinical testing. Allele origin: germline. Affected: yes.
Comment: Has not been previously published as pathogenic or benign to our knowledge; No data available from control populations to assess the frequency of this variant; In silico analysis is inconclusive as to whether the variant alters gene splicing. In the absence of RNA/functional studies, the actual effect of this sequence change is unknown.; Reported using an alternate transcript of the gene; In silico analysis does not support a benign or deleterious effect of this variant on protein structure/function